The following is an entry in ClinVar:

ClinVar aggregate classification (germline): Conflicting classifications of pathogenicity. Review status: criteria provided, conflicting classifications (1 of 4 stars). 8 submissions from 8 submitters: Uncertain significance (7); Likely benign (1). Last evaluated 2026-02-10.

Conditions:
INVS-related disorder. Also called: INVS-related condition.
Nephronophthisis. Also called: Juvenile Nephronophthisis. Identifiers: Orphanet 655, MedGen C0687120, MONDO:0019005, HP:0000090.
Infantile nephronophthisis (NPHP2). Also called: Nephronophthisis 2, infantile; Nephronophthisis 2. Identifiers: Orphanet 655, Orphanet 93591, MedGen C1865872, MONDO:0011190, OMIM 602088.

Allele frequency attached by ClinVar (database versions not stated): gnomAD exomes 0.00003 and 0.00009; ExAC 0.00013; TOPMed 0.00043; ESP Exome Variant Server 0.00046; gnomAD 0.00046 and 0.00048; 1000 Genomes Project 30x 0.00047; 1000 Genomes Project 0.00060.
gnomAD v4.1: 121 of 1,614,154 alleles (0.0075%); highest among the groups gnomAD compares: African/African-American, 0.15%; no homozygotes.

Submissions (8):

PreventionGenetics, part of Exact Sciences
Classification: Uncertain significance for INVS-related condition. Last evaluated: 2026-02-10. Review status: criteria provided, single submitter. Criteria: ACMG Guidelines, 2015. Collection method: clinical testing. Allele origin: germline.
Comment: The INVS c.1971C>G variant is predicted to result in the amino acid substitution p.Asp657Glu. This variant was reported along with additional INVS variants in an individual with focal and segmental glomerulosclerosis (Table S4, Wang et al. 2019. PubMed ID: 31308072). This variant is reported in 0.13% of alleles in individuals of African descent in gnomAD. Although we suspect that this variant may be benign, at this time, the clinical significance of this variant is uncertain due to the absence of conclusive functional and genetic evidence.

Greenwood Genetic Center Diagnostic Laboratories, Greenwood Genetic Center
Classification: Uncertain significance. Last evaluated: 2025-06-16. Review status: criteria provided, single submitter. Criteria: ACMG Guidelines, 2015. Collection method: clinical testing. Allele origin: germline. Affected: yes.
Comment: BP4

Labcorp Genetics (formerly Invitae), Labcorp
Classification: Uncertain significance for Nephronophthisis. Last evaluated: 2025-02-03. Review status: criteria provided, single submitter. Criteria: Invitae Variant Classification Sherloc (09022015). Collection method: clinical testing. Allele origin: germline.
Comment: This sequence change replaces aspartic acid, which is acidic and polar, with glutamic acid, which is acidic and polar, at codon 657 of the INVS protein (p.Asp657Glu). This variant is present in population databases (rs114942117, gnomAD 0.1%). This missense change has been observed in individual(s) with focal segmental glomerulosclerosis (PMID: 31308072). ClinVar contains an entry for this variant (Variation ID: 194249). An algorithm developed to predict the effect of missense changes on protein structure and function (PolyPhen-2) suggests that this variant¬†is likely to be tolerated. In summary, the available evidence is currently insufficient to determine the role of this variant in disease. Therefore, it has been classified as a Variant of Uncertain Significance.

Blueprint Genetics
Classification: Likely benign. Last evaluated: 2024-08-08. Review status: criteria provided, single submitter. Criteria: ACMG Guidelines, 2015. Collection method: clinical testing. Allele origin: germline.

Mayo Clinic Laboratories, Mayo Clinic
Classification: Uncertain significance. Last evaluated: 2024-02-29. Review status: criteria provided, single submitter. Criteria: ACMG Guidelines, 2015. Collection method: clinical testing. Allele origin: germline. Observed: 1 variant allele.
Comment: BS1, BP4

Fulgent Genetics
Classification: Uncertain significance for Infantile nephronophthisis. Last evaluated: 2022-05-06. Review status: criteria provided, single submitter. Criteria: ACMG Guidelines, 2015. Collection method: clinical testing. Allele origin: unknown.

GeneDx
Classification: Uncertain significance. Last evaluated: 2022-04-08. Review status: criteria provided, single submitter. Criteria: GeneDx Variant Classification Process June 2021. Collection method: clinical testing. Allele origin: germline. Affected: yes.
Comment: In silico analysis supports that this missense variant does not alter protein structure/function; Has not been previously published as pathogenic or benign to our knowledge

Eurofins Ntd Llc (ga)
Classification: Uncertain significance. Last evaluated: 2018-07-24. Review status: criteria provided, single submitter. Criteria: EGL ClinVar v180209 classification definitions. Collection method: clinical testing. Allele origin: germline. Observed: 7 variant alleles, 7 heterozygotes.

Literature cited by the submitters: PubMed 31308072 (cited by Labcorp Genetics (formerly Invitae), Labcorp and Mayo Clinic Laboratories, Mayo Clinic).

NM_014425.5(INVS):c.1971C>G (p.Asp657Glu)

Gene: INVS (inversin; plus strand). Cytogenetic location: 9q31.1.
Variant type: single nucleotide variant.
Coding change: c.1971C>G on transcript NM_014425.5 (MANE Select); coding-DNA position 1971, C replaced by G.
Protein change: p.Asp657Glu; replaces aspartic acid 657 with glutamic acid.
Molecular consequence: missense variant. On other transcripts: non-coding transcript variant (1).
Genome position (GRCh38, 1-based): chr9:100,284,506, C>G. VCF-style: chr9-100284506-C-G. GRCh37 (hg19) VCF-style: chr9-103046788-C-G.
Other names: p.Asp657Glu; c.1683C>G, p.Asp561Glu (NM_001318381.2); c.993C>G, p.Asp331Glu (NM_001318382.2); c.1971C>G (NM_014425.4); short protein forms D657E, D561E, D331E.
Identifiers: ClinVar variation 194249 (VCV000194249.19), dbSNP rs114942117, ClinGen allele CA240123.